The following is an entry in ClinVar:

ClinVar aggregate classification (germline): Uncertain significance (1 of 4 stars; one submission).

Allele frequency attached by ClinVar (database versions not stated): gnomAD 0.00001; gnomAD exomes 0.00001; ExAC 0.00002.
gnomAD v4.1: 14 of 1,594,186 alleles (0.00088%); highest among the groups gnomAD compares: South Asian, 0.014%; no homozygotes.

Submission:

Labcorp Genetics (formerly Invitae), Labcorp
Classification: Uncertain significance. Last evaluated: 2024-11-18. Review status: criteria provided, single submitter. Criteria: Invitae Variant Classification Sherloc (09022015). Collection method: clinical testing. Allele origin: germline.
Comment: This sequence change falls in intron 10 of the IL23R gene. It does not directly change the encoded amino acid sequence of the IL23R protein. It affects a nucleotide within the consensus splice site. This variant is present in population databases (rs747488229, gnomAD 0.01%). This variant has not been reported in the literature in individuals affected with IL23R-related conditions. ClinVar contains an entry for this variant (Variation ID: 2030236). Variants that disrupt the consensus splice site are a relatively common cause of aberrant splicing (PMID: 17576681, 9536098). Algorithms developed to predict the effect of sequence changes on RNA splicing suggest that this variant is not likely to affect RNA splicing. In summary, the available evidence is currently insufficient to determine the role of this variant in disease. Therefore, it has been classified as a Variant of Uncertain Significance.

Literature cited by the submitters: PubMed 17576681; PubMed 9536098.

NM_144701.3(IL23R):c.1240-3T>C

Gene: IL23R (interleukin 23 receptor; plus strand). Cytogenetic location: 1p31.3.
Variant type: single nucleotide variant.
Coding change: c.1240-3T>C on transcript NM_144701.3 (MANE Select); 3 bases into the intron before coding-DNA position 1240, T replaced by C.
Molecular consequence: intron variant.
Genome position (GRCh38, 1-based): chr1:67,258,475, T>C. VCF-style: chr1-67258475-T-C. GRCh37 (hg19) VCF-style: chr1-67724158-T-C.
Identifiers: ClinVar variation 2030236 (VCV002030236.4), dbSNP rs747488229, ClinGen allele CA899982.